The following is an entry in ClinVar:

NM_022168.4(IFIH1):c.1687A>T (p.Thr563Ser)

Gene: IFIH1 (interferon induced with helicase C domain 1; minus strand). Cytogenetic location: 2q24.2.
Variant type: single nucleotide variant.
Coding change: c.1687A>T on transcript NM_022168.4 (MANE Select); coding-DNA position 1687, A replaced by T.
Protein change: p.Thr563Ser; replaces threonine 563 with serine.
Molecular consequence: missense variant.
Genome position (GRCh38, 1-based): chr2:162,278,283, T>A on the plus strand (A>T on the coding strand, the complement: IFIH1 is on the minus strand). VCF-style: chr2-162278283-T-A. GRCh37 (hg19) VCF-style: chr2-163134793-T-A.
Other names: short protein forms T563S.
Identifiers: ClinVar variation 1509554 (VCV001509554.8), dbSNP rs2105198654, ClinGen allele CA349000218.

ClinVar aggregate classification (germline): Uncertain significance (1 of 4 stars; one submission).

Conditions:
Singleton-Merten syndrome 1 (SGMRT1). Also called: Widened medullary cavities of bone, aortic calcification, abnormal dentition, and muscular weakness; Syndrome of widened medullary cavities of the metacarpals and phalanges, aortic calcification and abnormal dentition. Identifiers: Orphanet 85191, MedGen C4225427, MONDO:0024535, OMIM 182250.
Aicardi-Goutieres syndrome 7 (AGS7). Identifiers: Orphanet 51, MedGen C3888244, MONDO:0014367, OMIM 615846.

Allele frequency attached by ClinVar (database versions not stated): gnomAD exomes below 0.00001.
gnomAD v4.1: 2 of 1,521,448 alleles (0.00013%); highest among the groups gnomAD compares: Non-Finnish European, 0.00018%; no homozygotes.

Submission:

Labcorp Genetics (formerly Invitae), Labcorp
Classification: Uncertain significance for Aicardi-Goutieres syndrome 7; Singleton-Merten syndrome 1. Last evaluated: 2025-03-04. Review status: criteria provided, single submitter. Criteria: Invitae Variant Classification Sherloc (09022015). Collection method: clinical testing. Allele origin: germline.
Comment: This sequence change replaces threonine, which is neutral and polar, with serine, which is neutral and polar, at codon 563 of the IFIH1 protein (p.Thr563Ser). This variant is not present in population databases (gnomAD no frequency). This variant has not been reported in the literature in individuals affected with IFIH1-related conditions. ClinVar contains an entry for this variant (Variation ID: 1509554). An algorithm developed to predict the effect of missense changes on protein structure and function outputs the following: PolyPhen-2: "Benign". The serine amino acid residue is found in multiple mammalian species, which suggests that this missense change does not adversely affect protein function. In summary, the available evidence is currently insufficient to determine the role of this variant in disease. Therefore, it has been classified as a Variant of Uncertain Significance.